The following is an entry in ClinVar:

ClinVar aggregate classification (germline): Uncertain significance. Review status: criteria provided, multiple submitters, no conflicts (2 of 4 stars). 2 submissions from 2 submitters: Uncertain significance (2). Last evaluated 2025-10-06.

Conditions:
Spermatogenic failure 18. Identifiers: MedGen C4539783, MONDO:0054615, OMIM 617576.
Ciliary dyskinesia, primary, 37 (CILD37). Also called: CILIARY DYSKINESIA, PRIMARY, 37, WITH OR WITHOUT SITUS INVERSUS. Identifiers: MedGen C4539798, MONDO:0033204, OMIM 617577.

Allele frequency attached by ClinVar (database versions not stated): gnomAD 0.00006; ExAC 0.00003; TOPMed 0.00007.
gnomAD v4.1: 128 of 1,613,600 alleles (0.0079%); highest among the groups gnomAD compares: Non-Finnish European, 0.011%; no homozygotes.

Submissions (2):

Ambry Genetics
Classification: Uncertain significance. Last evaluated: 2025-10-06. Review status: criteria provided, single submitter. Criteria: Ambry Variant Classification Scheme 2023. Collection method: clinical testing. Allele origin: germline.

Labcorp Genetics (formerly Invitae), Labcorp
Classification: Uncertain significance for Ciliary dyskinesia, primary, 37; Spermatogenic failure 18. Last evaluated: 2022-07-15. Review status: criteria provided, single submitter. Criteria: Invitae Variant Classification Sherloc (09022015). Collection method: clinical testing. Allele origin: germline.
Comment: This sequence change replaces histidine, which is basic and polar, with glutamine, which is neutral and polar, at codon 222 of the DNAH1 protein (p.His222Gln). This variant is present in population databases (rs767198288, gnomAD 0.009%). This variant has not been reported in the literature in individuals affected with DNAH1-related conditions. ClinVar contains an entry for this variant (Variation ID: 544594). Algorithms developed to predict the effect of missense changes on protein structure and function are either unavailable or do not agree on the potential impact of this missense change (SIFT: "Deleterious"; PolyPhen-2: "Benign"; Align-GVGD: "Class C0"). In summary, the available evidence is currently insufficient to determine the role of this variant in disease. Therefore, it has been classified as a Variant of Uncertain Significance.

NM_015512.5(DNAH1):c.666C>A (p.His222Gln)

Gene: DNAH1 (dynein axonemal heavy chain 1; plus strand). Cytogenetic location: 3p21.1.
Variant type: single nucleotide variant.
Coding change: c.666C>A on transcript NM_015512.5 (MANE Select); coding-DNA position 666, C replaced by A.
Protein change: p.His222Gln; replaces histidine 222 with glutamine.
Molecular consequence: missense variant.
Genome position (GRCh38, 1-based): chr3:52,326,819, C>A. VCF-style: chr3-52326819-C-A. GRCh37 (hg19) VCF-style: chr3-52360835-C-A.
Other names: short protein forms H222Q.
Identifiers: ClinVar variation 544594 (VCV000544594.5), dbSNP rs767198288, ClinGen allele CA2432717.
Genomic context (GRCh38, chr3:52,326,819, plus strand): 5'-GGACATTGAGCAGTTGCTGTTCAGCCAGGGCATCGACTCCAACAAGCTCATGCCCAGGCA[C>A]CTGGACCACCAGCACCCCCAAACCATCGAACAGGGCCATGACCCAATCTTCCCCATCTAC-3'
Protein context (NP_056327.4, residues 212-232): GIDSNKLMPR[His222Gln]LDHQHPQTIE